The following is an entry in ClinVar:

NM_002769.5(PRSS1):c.402_403inv (p.Thr135Ala)

Genes: TRB (T cell receptor beta locus; plus strand), PRSS1 (serine protease 1; plus strand). Cytogenetic location: 7q34.
Variant type: Inversion.
Coding change: c.402_403inv on transcript NM_002769.5 (MANE Select).
Protein change: p.Thr135Ala; replaces threonine 135 with alanine.
Molecular consequence: missense variant.
Genome position: GRCh38 VCF-style: chr7-142751975-CA-TG. GRCh37 (hg19) VCF-style: chr7-142459826-CA-TG.
Other names: c.402_403delCAinsTG (NM_002769.4); short protein forms T135A.
Identifiers: ClinVar variation 1410426 (VCV001410426.8), ClinGen allele CA2573141794.

ClinVar aggregate classification (germline): Conflicting classifications of pathogenicity. Review status: criteria provided, conflicting classifications (1 of 4 stars). 2 submissions from 2 submitters: Uncertain significance (1); Likely benign (1). Last evaluated 2025-01-17.

Conditions:
Hereditary pancreatitis (PCTT). Also called: Hereditary chronic pancreatitis; PRSS1-Related Hereditary Pancreatitis. Identifiers: Orphanet 676, MedGen C0238339, MONDO:0008185, OMIM 167800.

Submissions (2):

Labcorp Genetics (formerly Invitae), Labcorp
Classification: Uncertain significance for Hereditary pancreatitis. Last evaluated: 2025-01-17. Review status: criteria provided, single submitter. Criteria: Invitae Variant Classification Sherloc (09022015). Collection method: clinical testing. Allele origin: germline.
Comment: This sequence change replaces threonine, which is neutral and polar, with alanine, which is neutral and non-polar, at codon 135 of the PRSS1 protein (p.Thr135Ala). Information on the frequency of this variant in the gnomAD database is not available, as this variant may be reported differently in the database. This missense change has been observed in individual(s) with pancreatitis and pancreatic cancer (PMID: 22088471, 24458023). ClinVar contains an entry for this variant (Variation ID: 1410426). Experimental studies and prediction algorithms are not available or were not evaluated, and the functional significance of this variant is currently unknown. In summary, the available evidence is currently insufficient to determine the role of this variant in disease. Therefore, it has been classified as a Variant of Uncertain Significance.

Ambry Genetics
Classification: Likely benign for Hereditary pancreatitis. Last evaluated: 2024-08-19. Review status: criteria provided, single submitter. Criteria: Ambry Variant Classification Scheme 2023. Collection method: clinical testing. Allele origin: germline.

Literature cited by the submitters: PubMed 22088471 (cited by Labcorp Genetics (formerly Invitae), Labcorp); PubMed 24458023 (cited by Labcorp Genetics (formerly Invitae), Labcorp).